The following is an entry in ClinVar:

NM_006231.4(POLE):c.1288G>A (p.Ala430Thr)

Gene: POLE (DNA polymerase epsilon, catalytic subunit; minus strand). Cytogenetic location: 12q24.33.
Variant type: single nucleotide variant.
Coding change: c.1288G>A on transcript NM_006231.4 (MANE Select); coding-DNA position 1288, G replaced by A.
Protein change: p.Ala430Thr; replaces alanine 430 with threonine.
Molecular consequence: missense variant.
Genome position (GRCh38, 1-based): chr12:132,673,646, C>T on the plus strand (G>A on the coding strand, the complement: POLE is on the minus strand). VCF-style: chr12-132673646-C-T. GRCh37 (hg19) VCF-style: chr12-133250232-C-T.
Other names: short protein forms A430T.
Identifiers: ClinVar variation 240386 (VCV000240386.67), dbSNP rs140566004, ClinGen allele CA6894015.
Genomic context (GRCh38, chr12:132,673,646, plus strand): 5'-CCGTGGCCATCCGGCACATGTCCTCCGGGTCTAGCTCCACGGGATCATAGCCTAGCTTGG[C>T]CTTGGCGGCCGCCTTGAGATTATGACTGCCCACAGGAAGGTAACTGTCCCTCTTCACCCA-3'
Protein context (NP_006222.2, residues 420-440): GSHNLKAAAK[Ala430Thr]KLGYDPVELD

ClinVar aggregate classification (germline): Conflicting classifications of pathogenicity. Review status: criteria provided, conflicting classifications (1 of 4 stars). 12 submissions from 12 submitters: Uncertain significance (2); Benign (3); Likely benign (5). 2 of the submissions do not count toward it. Last evaluated 2026-01-28.

Conditions:
POLE-related disorder. Also called: POLE-related condition; POLE-related disorders.
Hereditary cancer-predisposing syndrome. Also called: Tumor predisposition; Hereditary Cancer Syndrome; Neoplastic Syndromes, Hereditary; Hereditary neoplastic syndrome. Identifiers: Orphanet 140162, MedGen C0027672, MeSH D009386, MONDO:0015356.
Colorectal cancer, susceptibility to, 12 (CRCS12). Also called: COLORECTAL CANCER, SUSCEPTIBILITY TO, ON CHROMOSOME 12q24. Identifiers: Orphanet 220460, MedGen C3554460, MONDO:0014038, OMIM 615083.
Malignant tumor of breast. Also called: Cancer breast; Malignant breast neoplasm. Identifiers: MedGen C0006142, MONDO:0007254. Disease mechanism: loss of function.

Allele frequency attached by ClinVar (database versions not stated): gnomAD 0.00006 and 0.00019; ESP Exome Variant Server 0.00008; TOPMed 0.00011; gnomAD exomes 0.00052; ExAC 0.00066; 1000 Genomes Project 30x 0.00078; 1000 Genomes Project 0.00100.
gnomAD v4.1: 440 of 1,614,000 alleles (0.027%); highest among the groups gnomAD compares: South Asian, 0.36%; 6 homozygotes.

Submissions (12):

Labcorp Genetics (formerly Invitae), Labcorp
Classification: Benign. Last evaluated: 2026-01-28. Review status: criteria provided, single submitter. Criteria: Invitae Variant Classification Sherloc (09022015). Collection method: clinical testing. Allele origin: germline.

Center for Genomic Medicine, Rigshospitalet, Copenhagen University Hospital
Classification: Likely benign. Last evaluated: 2025-12-29. Review status: criteria provided, single submitter. Criteria: ACMG Guidelines, 2015. Collection method: clinical testing. Allele origin: germline.

Blueprint Genetics
Classification: Likely benign. Last evaluated: 2024-11-18. Review status: criteria provided, single submitter. Criteria: ACMG Guidelines, 2015. Collection method: clinical testing. Allele origin: germline.

Women's Health and Genetics/Laboratory Corporation of America, LabCorp
Classification: Likely benign. Last evaluated: 2024-09-09. Review status: criteria provided, single submitter. Criteria: LabCorp Variant Classification Summary - May 2015. Collection method: clinical testing. Allele origin: germline.

Quest Diagnostics Nichols Institute San Juan Capistrano
Classification: Benign. Last evaluated: 2023-09-14. Review status: criteria provided, single submitter. Criteria: Quest Diagnostics criteria. Collection method: clinical testing. Allele origin: unknown.

GeneDx
Classification: Likely benign. Last evaluated: 2021-06-02. Review status: criteria provided, single submitter. Criteria: GeneDx Variant Classification Process June 2021. Collection method: clinical testing. Allele origin: germline. Affected: yes.
Comment: This variant is associated with the following publications: (PMID: 26302956, 28857155, 29855806, 26251183, 28873162)

Sema4
Classification: Benign for Hereditary cancer-predisposing syndrome. Last evaluated: 2021-01-26. Review status: criteria provided, single submitter. Criteria: Sema4 Curation Guidelines. Collection method: curation. Allele origin: germline.

Ambry Genetics
Classification: Likely benign for Hereditary cancer-predisposing syndrome. Last evaluated: 2020-08-25. Review status: criteria provided, single submitter. Criteria: Ambry Variant Classification Scheme 2023. Collection method: clinical testing. Allele origin: germline.

Mendelics
Classification: Uncertain significance for Colorectal cancer, susceptibility to, 12. Last evaluated: 2019-05-28. Review status: criteria provided, single submitter. Criteria: Mendelics Assertion Criteria 2017. Collection method: clinical testing. Allele origin: unknown.

CeGaT Center for Human Genetics Tuebingen
Classification: Uncertain significance. Last evaluated: 2016-06-01. Review status: criteria provided, single submitter. Criteria: CeGaT Center For Human Genetics Tuebingen Variant Classification Criteria Version 2. Collection method: clinical testing. Allele origin: germline. Affected: yes. Observed: 1 variant allele.

PreventionGenetics, part of Exact Sciences
Classification: Likely benign for POLE-related condition. Last evaluated: 2019-03-08. Review status: no assertion criteria provided. Collection method: clinical testing. Allele origin: germline. Not counted in ClinVar's aggregate classification.
Comment: This variant is classified as likely benign based on ACMG/AMP sequence variant interpretation guidelines (Richards et al. 2015 PMID: 25741868, with internal and published modifications).

Department of Pathology and Laboratory Medicine, Sinai Health System
Classification: Uncertain significance for Malignant tumor of breast. Review status: no assertion criteria provided. Collection method: clinical testing. Allele origin: unknown. Affected: yes. Study: The Canadian Open Genetics Repository (COGR). Not counted in ClinVar's aggregate classification.
Comment: The POLE p.Ala430Thr variant was identified in 2 of 2216 proband chromosomes (frequency: 0.0009) from individuals with nasopharyngeal carcinoma and advanced cancer (Mandelker 2017, Fountzilas 2018). The variant was identified in dbSNP (rs140566004) as â€šÃ„Ãºwith uncertain significance alleleâ€šÃ„Ã¹ and ClinVar (classified as likely benign by Invitae, GeneDx and Quest Diagnostics and uncertain significance by Ambry Genetics and Mendelics). The variant was identified in control databases in 129 of 277,028 chromosomes (1 homozygous) at a frequency of 0.0005 increasing the likelihood this could be a low frequency benign variant (Genome Aggregation Database Feb 27, 2017). The variant was observed in the following populations: â€šÃ„ÃºOtherâ€šÃ„Ã¹ in 4 of 6466 chromosomes (freq: 0.0006), Latino in 4 of 34,418 chromosomes (freq: 0.0001), European in 9 of 126,672 chromosomes (freq: 0.00007), Finnish in 4 of 25,654 chromosomes (freq: 0.0002), and South Asian in 108 of 30,782 chromosomes (freq: 0.004). The variant was not observed in the African, Ashkenazi Jewish, and East Asian populations. The p.Ala430 residue is conserved in mammals and computational analyses (PolyPhen-2, SIFT, AlignGVGD, BLOSUM, MutationTaster) provide inconsistent predictions regarding the impact to the protein; this information is not very predictive of pathogenicity. The variant occurs outside of the splicing consensus sequence and in silico or computational prediction software programs (SpliceSiteFinder, MaxEntScan, NNSPLICE, GeneSplicer) do not predict a difference in splicing. In summary, based on the above information the clinical significance of this variant cannot be determined with certainty at this time. This variant is classified as a variant of uncertain significance.

Literature cited by the submitters: PubMed 37848928 (cited by Center for Genomic Medicine, Rigshospitalet, Copenhagen University Hospital); PubMed 30267214 (cited by Quest Diagnostics Nichols Institute San Juan Capistrano and Ambry Genetics); PubMed 34326862 (cited by Quest Diagnostics Nichols Institute San Juan Capistrano); PubMed 35264596 (cited by Quest Diagnostics Nichols Institute San Juan Capistrano); PubMed 26302956 (cited by Quest Diagnostics Nichols Institute San Juan Capistrano); PubMed 28857155 (cited by Quest Diagnostics Nichols Institute San Juan Capistrano); PubMed 26251183 (cited by Quest Diagnostics Nichols Institute San Juan Capistrano); PubMed 28873162 (cited by Quest Diagnostics Nichols Institute San Juan Capistrano); PubMed 32885271 (cited by Quest Diagnostics Nichols Institute San Juan Capistrano).